The following is an entry in ClinVar:

ClinVar aggregate classification (germline): Likely benign. Review status: criteria provided, multiple submitters, no conflicts (2 of 4 stars). 2 submissions from 2 submitters: Likely benign (2). Last evaluated 2025-10-01.

gnomAD v4.1: 53 of 1,210,064 alleles (0.0044%); highest among the groups gnomAD compares: South Asian, 0.014%; no homozygotes.

Submissions (2):

CeGaT Center for Human Genetics Tuebingen
Classification: Likely benign. Last evaluated: 2025-10-01. Review status: criteria provided, single submitter. Criteria: CeGaT Center For Human Genetics Tuebingen Variant Classification Criteria Version 2. Collection method: clinical testing. Allele origin: germline. Affected: yes. Observed: 1 variant allele.
Comment: ATP2B3: BP4, BP7, BS2

Blueprint Genetics
Classification: Likely benign. Last evaluated: 2024-01-23. Review status: criteria provided, single submitter. Criteria: ACMG Guidelines, 2015. Collection method: clinical testing. Allele origin: germline.

NM_001001344.3(ATP2B3):c.1944C>T (p.Ile648=)

Gene: ATP2B3 (ATPase plasma membrane Ca2+ transporting 3; plus strand). Cytogenetic location: Xq28.
Variant type: single nucleotide variant.
Coding change: c.1944C>T on transcript NM_001001344.3 (MANE Select); coding-DNA position 1944, C replaced by T.
Protein change: p.Ile648=; no amino-acid change (isoleucine 648 retained).
Molecular consequence: synonymous variant.
Genome position (GRCh38, 1-based): chrX:153,553,155, C>T. VCF-style: chrX-153553155-C-T. GRCh37 (hg19) VCF-style: chrX-152818613-C-T.
Other names: c.1944C>T, p.Ile648= (NM_001388360.1, NM_001388361.1, NM_001388362.1 and 1 more transcripts); c.1902C>T, p.Ile634= (NM_001410708.1).
Identifiers: ClinVar variation 4533734 (VCV004533734.7).
Genomic context (GRCh38, chrX:153,553,155, plus strand): 5'-CGACATGGTGAGGAAGATCATCGAGCCGATGGCTTGCGATGGCCTCCGCACCATCTGCAT[C>T]GCCTACCGGGACTTCTCTGCAGGCCAGGAGCCCGACTGGGACAACGAGAATGAGGTCGTG-3'
Protein context (NP_001001344.1, residues 638-658): MACDGLRTIC[Ile648=]AYRDFSAGQE